The following is an entry in ClinVar:

ClinVar aggregate classification (germline): Pathogenic (1 of 4 stars; one submission).

Conditions:
Primary ciliary dyskinesia. Also called: Ciliary dyskinesia. Identifiers: Orphanet 244, MedGen C0008780, MONDO:0016575, HP:0012265.

Submission:

Labcorp Genetics (formerly Invitae), Labcorp
Classification: Pathogenic for Primary ciliary dyskinesia. Last evaluated: 2021-06-04. Review status: criteria provided, single submitter. Criteria: Invitae Variant Classification Sherloc (09022015). Collection method: clinical testing. Allele origin: germline.
Comment: This sequence change affects a donor splice site in intron 16 of the DNAI1 gene. It is expected to disrupt RNA splicing. Variants that disrupt the donor or acceptor splice site typically lead to a loss of protein function (PMID: 16199547), and loss-of-function variants in DNAI1 are known to be pathogenic (PMID: 16858015, 29363216). This variant is not present in population databases (ExAC no frequency). Disruption of this splice site has been observed in individual(s) with primary ciliary dyskinesia (Invitae). Algorithms developed to predict the effect of sequence changes on RNA splicing suggest that this variant may disrupt the consensus splice site, but this prediction has not been confirmed by published transcriptional studies. For these reasons, this variant has been classified as Pathogenic.

Literature cited by the submitters: PubMed 16199547; PubMed 16858015; PubMed 29363216.

NM_012144.4(DNAI1):c.1569+1G>A

Gene: DNAI1 (dynein axonemal intermediate chain 1; plus strand). Cytogenetic location: 9p13.3.
Variant type: single nucleotide variant.
Coding change: c.1569+1G>A on transcript NM_012144.4 (MANE Select); the canonical splice donor site of the intron after coding-DNA position 1569, G replaced by A.
Molecular consequence: splice donor variant.
Genome position (GRCh38, 1-based): chr9:34,513,192, G>A. VCF-style: chr9-34513192-G-A. GRCh37 (hg19) VCF-style: chr9-34513190-G-A.
Other names: c.1581+1G>A (NM_001281428.2).
Identifiers: ClinVar variation 1435836 (VCV001435836.8), dbSNP rs1465404366, ClinGen allele CA373261904.
Genomic context (GRCh38, chr9:34,513,192, plus strand): 5'-TTCCACAAAGAGATTGACTACATGTTCCTAGTGGGCACAGAGGAGGGAAAAATCTACAAG[G>A]TGAGGCTGCCCTGTGCCAGCTCCTTAGAAGGCCGCTTAGACCTGAGCACCTGGGGAGCTT-3'